The following is an entry in ClinVar:

ClinVar aggregate classification (germline): Uncertain significance (1 of 4 stars; one submission).

Allele frequency attached by ClinVar (database versions not stated): gnomAD exomes 0.00002; gnomAD 0.00005; TOPMed 0.00006; ExAC 0.00007; 1000 Genomes Project 0.00040; 1000 Genomes Project 30x 0.00047.
gnomAD v4.1: 37 of 1,613,962 alleles (0.0023%); highest among the groups gnomAD compares: Admixed American, 0.045%; no homozygotes.

Submission:

Labcorp Genetics (formerly Invitae), Labcorp
Classification: Uncertain significance. Last evaluated: 2025-11-23. Review status: criteria provided, single submitter. Criteria: Invitae Variant Classification Sherloc (09022015). Collection method: clinical testing. Allele origin: germline.
Comment: This sequence change replaces isoleucine, which is neutral and non-polar, with valine, which is neutral and non-polar, at codon 41 of the SON protein (p.Ile41Val). This variant is present in population databases (rs202224123, gnomAD 0.04%), and has an allele count higher than expected for a pathogenic variant. This variant has not been reported in the literature in individuals affected with SON-related conditions. ClinVar contains an entry for this variant (Variation ID: 2169852). An algorithm developed to predict the effect of missense changes on protein structure and function outputs the following: PolyPhen-2: "Benign". The valine amino acid residue is found in multiple mammalian species, which suggests that this missense change does not adversely affect protein function. In summary, the available evidence is currently insufficient to determine the role of this variant in disease. Therefore, it has been classified as a Variant of Uncertain Significance.

NM_138927.4(SON):c.121A>G (p.Ile41Val)

Gene: SON (SON DNA and RNA binding protein; plus strand). Cytogenetic location: 21q22.11.
Variant type: single nucleotide variant.
Coding change: c.121A>G on transcript NM_138927.4 (MANE Select); coding-DNA position 121, A replaced by G.
Protein change: p.Ile41Val; replaces isoleucine 41 with valine.
Molecular consequence: missense variant. On other transcripts: non-coding transcript variant (1).
Genome position (GRCh38, 1-based): chr21:33,546,256, A>G. VCF-style: chr21-33546256-A-G. GRCh37 (hg19) VCF-style: chr21-34918562-A-G.
Other names: c.121A>G, p.Ile41Val (NM_001291411.2, NM_001291412.3, NM_001412132.1 and 4 more transcripts); short protein forms I41V.
Identifiers: ClinVar variation 2169852 (VCV002169852.4), dbSNP rs202224123, ClinGen allele CA10008598.